The following is an entry in ClinVar:

NM_000069.3(CACNA1S):c.1553C>T (p.Ala518Val)

Gene: CACNA1S (calcium voltage-gated channel subunit alpha1 S; minus strand). Cytogenetic location: 1q32.1.
Variant type: single nucleotide variant.
Coding change: c.1553C>T on transcript NM_000069.3 (MANE Select); coding-DNA position 1553, C replaced by T.
Protein change: p.Ala518Val; replaces alanine 518 with valine.
Molecular consequence: missense variant.
Genome position (GRCh38, 1-based): chr1:201,077,945, G>A on the plus strand (C>T on the coding strand, the complement: CACNA1S is on the minus strand). VCF-style: chr1-201077945-G-A. GRCh37 (hg19) VCF-style: chr1-201047073-G-A.
Other names: short protein forms A518V.
Identifiers: ClinVar variation 3074756 (VCV003074756.1), dbSNP rs2464570920, ClinGen allele CA344121426.

ClinVar aggregate classification (germline): Uncertain significance (1 of 4 stars; one submission).

Conditions:
Malignant hyperthermia, susceptibility to, 5 (MHS5). Also called: CACNA1S-Related Malignant Hyperthermia Susceptibility. Identifiers: Orphanet 423, MedGen C1866077, MONDO:0011163, OMIM 601887.

Submission:

All of Us Research Program, National Institutes of Health
Classification: Uncertain significance for Malignant hyperthermia, susceptibility to, 5. Last evaluated: 2023-12-13. Review status: criteria provided, single submitter. Criteria: ACMG Guidelines, 2015. Collection method: clinical testing. Allele origin: germline. Inheritance: Autosomal dominant inheritance. Observed: 1 variant allele, 1 heterozygote.
Comment: This missense variant replaces alanine with valine at codon 518 of the CACNA1S protein. Computational prediction suggests that this variant may not impact protein structure and function (internally defined REVEL score threshold <= 0.5, PMID: 27666373). To our knowledge, functional studies have not been reported for this variant. This variant has not been reported in individuals affected with CACNA1S-related disorders in the literature. This variant has not been identified in the general population by the Genome Aggregation Database (gnomAD). The available evidence is insufficient to determine the role of this variant in disease conclusively. Therefore, this variant is classified as a Variant of Uncertain Significance.

This study involves interpretation of variants in research participants for the purpose of population health screening. Participant phenotype was not available at the time of variant classification. Additional details can be found in publication PMID: 35346344, PMCID: PMC8962531